The following is an entry in ClinVar:

NM_000222.3(KIT):c.2098G>T (p.Ala700Ser)

Gene: KIT (KIT proto-oncogene, receptor tyrosine kinase; plus strand). Cytogenetic location: 4q12.
Variant type: single nucleotide variant.
Coding change: c.2098G>T on transcript NM_000222.3 (MANE Select); coding-DNA position 2098, G replaced by T.
Protein change: p.Ala700Ser; replaces alanine 700 with serine.
Molecular consequence: missense variant.
Genome position (GRCh38, 1-based): chr4:54,729,442, G>T. VCF-style: chr4-54729442-G-T. GRCh37 (hg19) VCF-style: chr4-55595608-G-T.
Other names: c.2086G>T, p.Ala696Ser (NM_001093772.2, NM_001385286.1); c.2101G>T, p.Ala701Ser (NM_001385284.1, NM_001385290.1); c.2098G>T, p.Ala700Ser (NM_001385285.1); c.2089G>T, p.Ala697Ser (NM_001385288.1, NM_001385292.1); short protein forms A700S, A696S, A701S, A697S.
Identifiers: ClinVar variation 4771446 (VCV004771446.1).
Genomic context (GRCh38, chr4:54,729,442, plus strand): 5'-AATTTTTTGAGAAGAAAACGTGATTCATTTATTTGTTCAAAGCAGGAAGATCATGCAGAA[G>T]CTGCACTTTATAAGAATCTTCTGCATTCAAAGGAGTCTTCCTGGTAAGACTGATTTACAT-3'
Protein context (NP_000213.1, residues 690-710): ICSKQEDHAE[Ala700Ser]ALYKNLLHSK

ClinVar aggregate classification (germline): Uncertain significance (1 of 4 stars; one submission).

Conditions:
Gastrointestinal stromal tumor. Also called: Gastrointestinal stroma tumor; Gastrointestinal stromal tumor, somatic. Identifiers: Orphanet 44890, MedGen C0238198, MeSH D046152, MONDO:0011719, OMIM 606764, HP:0100723.

Submission:

Labcorp Genetics (formerly Invitae), Labcorp
Classification: Uncertain significance for Gastrointestinal stromal tumor. Last evaluated: 2025-03-23. Review status: criteria provided, single submitter. Criteria: Invitae Variant Classification Sherloc (09022015). Collection method: clinical testing. Allele origin: germline.
Comment: This sequence change replaces alanine, which is neutral and non-polar, with serine, which is neutral and polar, at codon 700 of the KIT protein (p.Ala700Ser). This variant is not present in population databases (gnomAD no frequency). This variant has not been reported in the literature in individuals affected with KIT-related conditions. An algorithm developed to predict the effect of missense changes on protein structure and function outputs the following: PolyPhen-2: "Benign". The serine amino acid residue is found in multiple mammalian species, which suggests that this missense change does not adversely affect protein function. In summary, the available evidence is currently insufficient to determine the role of this variant in disease. Therefore, it has been classified as a Variant of Uncertain Significance.